The following is an entry in ClinVar:

ClinVar aggregate classification (germline): Pathogenic (1 of 4 stars; one submission).

Conditions:
Primary ciliary dyskinesia. Also called: Ciliary dyskinesia. Identifiers: Orphanet 244, MedGen C0008780, MONDO:0016575, HP:0012265.

Submission:

Labcorp Genetics (formerly Invitae), Labcorp
Classification: Pathogenic for Primary ciliary dyskinesia. Last evaluated: 2023-07-16. Review status: criteria provided, single submitter. Criteria: Invitae Variant Classification Sherloc (09022015). Collection method: clinical testing. Allele origin: germline.
Comment: This variant has not been reported in the literature in individuals affected with DNAH11-related conditions. For these reasons, this variant has been classified as Pathogenic. This variant is not present in population databases (gnomAD no frequency). This sequence change creates a premature translational stop signal (p.Glu229*) in the DNAH11 gene. It is expected to result in an absent or disrupted protein product. Loss-of-function variants in DNAH11 are known to be pathogenic (PMID: 18022865, 20513915, 22184204).

Literature cited by the submitters: PubMed 18022865; PubMed 20513915; PubMed 22184204.

NM_001277115.2(DNAH11):c.685G>T (p.Glu229Ter)

Gene: DNAH11 (dynein axonemal heavy chain 11; plus strand). Cytogenetic location: 7p15.3.
Variant type: single nucleotide variant.
Coding change: c.685G>T on transcript NM_001277115.2 (MANE Select); coding-DNA position 685, G replaced by T.
Protein change: p.Glu229Ter; replaces glutamic acid 229 with a stop codon.
Molecular consequence: nonsense.
Genome position (GRCh38, 1-based): chr7:21,558,991, G>T. VCF-style: chr7-21558991-G-T. GRCh37 (hg19) VCF-style: chr7-21598609-G-T.
Other names: c.685G>T, p.Glu229Ter (NM_003777.3); short protein forms E229*.
Identifiers: ClinVar variation 2743541 (VCV002743541.3), dbSNP rs1783333404, ClinGen allele CA366932659.